The following is an entry in ClinVar:

NM_000365.6(TPI1):c.116-13A>G

Gene: TPI1 (triosephosphate isomerase 1; plus strand). Cytogenetic location: 12p13.31.
Variant type: single nucleotide variant.
Coding change: c.116-13A>G on transcript NM_000365.6 (MANE Select); 13 bases into the intron before coding-DNA position 116, A replaced by G.
Molecular consequence: intron variant.
Genome position (GRCh38, 1-based): chr12:6,868,851, A>G. VCF-style: chr12-6868851-A-G. GRCh37 (hg19) VCF-style: chr12-6978015-A-G.
Other names: c.227-13A>G (NM_001159287.1); c.-131-13A>G (NM_001258026.2).
Identifiers: ClinVar variation 881406 (VCV000881406.11), dbSNP rs782238701, ClinGen allele CA6418853.

ClinVar aggregate classification (germline): Benign/Likely benign. Review status: criteria provided, multiple submitters, no conflicts (2 of 4 stars). 2 submissions from 2 submitters: Benign (1); Likely benign (1). Last evaluated 2025-02-10.

Conditions:
Triosephosphate isomerase deficiency (TPID). Also called: Triose phosphate isomerase deficiency. Identifiers: Orphanet 868, MedGen C1860808, MONDO:0014221, OMIM 615512.

Allele frequency attached by ClinVar (database versions not stated): gnomAD 0.00002 and 0.00013; TOPMed 0.00006; gnomAD exomes 0.00024 and 0.00039; ExAC 0.00057; 1000 Genomes Project 30x 0.00094; 1000 Genomes Project 0.00120.
gnomAD v4.1: 365 of 1,610,898 alleles (0.023%); highest among the groups gnomAD compares: South Asian, 0.34%; 5 homozygotes.

Submissions (2):

Labcorp Genetics (formerly Invitae), Labcorp
Classification: Benign. Last evaluated: 2025-02-10. Review status: criteria provided, single submitter. Criteria: Invitae Variant Classification Sherloc (09022015). Collection method: clinical testing. Allele origin: germline.

Illumina Laboratory Services, Illumina
Classification: Likely benign for Triosephosphate isomerase deficiency. Last evaluated: 2018-01-12. Review status: criteria provided, single submitter. Criteria: ICSL Variant Classification Criteria 13 December 2019. Collection method: clinical testing. Allele origin: germline.
Comment: This variant was observed in the ICSL laboratory as part of a predisposition screen in an ostensibly healthy population. It had not been previously curated by ICSL or reported in the Human Gene Mutation Database (HGMD: prior to June 1st, 2018), and was therefore a candidate for classification through an automated scoring system. Utilizing variant allele frequency, disease prevalence and penetrance estimates, and inheritance mode, an automated score was calculated to assess if this variant is too frequent to cause the disease. Based on the score and internal cut-off values, a variant classified as likely benign is not then subjected to further curation. The score for this variant resulted in a classification of likely benign for this disease.